The following is an entry in ClinVar:

ClinVar aggregate classification (germline): Uncertain significance (1 of 4 stars; one submission).

Conditions:
RYR1-related disorder. Also called: RYR1-related condition; RYR1-related disorders. Identifiers: MedGen CN239331.

Allele frequency attached by ClinVar (database versions not stated): ExAC 0.00001; gnomAD exomes 0.00002.
gnomAD v4.1: 10 of 1,614,000 alleles (0.00062%); highest among the groups gnomAD compares: Non-Finnish European, 0.00085%; no homozygotes.

Submission:

Labcorp Genetics (formerly Invitae), Labcorp
Classification: Uncertain significance for RYR1-related disorder. Last evaluated: 2022-03-22. Review status: criteria provided, single submitter. Criteria: Invitae Variant Classification Sherloc (09022015). Collection method: clinical testing. Allele origin: germline.
Comment: This sequence change replaces isoleucine, which is neutral and non-polar, with phenylalanine, which is neutral and non-polar, at codon 3270 of the RYR1 protein (p.Ile3270Phe). This variant is present in population databases (rs761792934, gnomAD 0.004%). This variant has not been reported in the literature in individuals affected with RYR1-related conditions. Advanced modeling of protein sequence and biophysical properties (such as structural, functional, and spatial information, amino acid conservation, physicochemical variation, residue mobility, and thermodynamic stability) performed at Invitae indicates that this missense variant is not expected to disrupt RYR1 protein function. In summary, the available evidence is currently insufficient to determine the role of this variant in disease. Therefore, it has been classified as a Variant of Uncertain Significance.

NM_000540.3(RYR1):c.9808A>T (p.Ile3270Phe)

Gene: RYR1 (ryanodine receptor 1; plus strand). Cytogenetic location: 19q13.2.
Variant type: single nucleotide variant.
Coding change: c.9808A>T on transcript NM_000540.3 (MANE Select); coding-DNA position 9808, A replaced by T.
Protein change: p.Ile3270Phe; replaces isoleucine 3270 with phenylalanine.
Molecular consequence: missense variant.
Genome position (GRCh38, 1-based): chr19:38,517,481, A>T. VCF-style: chr19-38517481-A-T. GRCh37 (hg19) VCF-style: chr19-39008121-A-T.
Other names: c.9808A>T, p.Ile3270Phe (NM_001042723.2); short protein forms I3270F.
Identifiers: ClinVar variation 1444637 (VCV001444637.4), dbSNP rs761792934, ClinGen allele CA074173.